The following is an entry in ClinVar:

NM_001371928.1(AHDC1):c.1165A>G (p.Arg389Gly)

Gene: AHDC1 (AT-hook DNA binding motif containing 1; minus strand). Cytogenetic location: 1p36.11.
Variant type: single nucleotide variant.
Coding change: c.1165A>G on transcript NM_001371928.1 (MANE Select); coding-DNA position 1165, A replaced by G.
Protein change: p.Arg389Gly; replaces arginine 389 with glycine.
Molecular consequence: missense variant.
Genome position (GRCh38, 1-based): chr1:27,550,951, T>C on the plus strand (A>G on the coding strand, the complement: AHDC1 is on the minus strand). VCF-style: chr1-27550951-T-C. GRCh37 (hg19) VCF-style: chr1-27877462-T-C.
Other names: c.1165A>G, p.Arg389Gly (NM_001029882.3); short protein forms R389G.
Identifiers: ClinVar variation 2798312 (VCV002798312.3), dbSNP rs2522037985, ClinGen allele CA339234967.

ClinVar aggregate classification (germline): Uncertain significance (1 of 4 stars; one submission).

Allele frequency attached by ClinVar (database versions not stated): gnomAD exomes below 0.00001.
gnomAD v4.1: 1 of 1,598,712 alleles (0.000063%); highest among the groups gnomAD compares: Non-Finnish European, 0.000085%; no homozygotes.

Submission:

Labcorp Genetics (formerly Invitae), Labcorp
Classification: Uncertain significance. Last evaluated: 2023-11-07. Review status: criteria provided, single submitter. Criteria: Invitae Variant Classification Sherloc (09022015). Collection method: clinical testing. Allele origin: germline.
Comment: This sequence change replaces arginine, which is basic and polar, with glycine, which is neutral and non-polar, at codon 389 of the AHDC1 protein (p.Arg389Gly). This variant is not present in population databases (gnomAD no frequency). This variant has not been reported in the literature in individuals affected with AHDC1-related conditions. An algorithm developed to predict the effect of missense changes on protein structure and function (PolyPhen-2) suggests that this variant is likely to be tolerated. In summary, the available evidence is currently insufficient to determine the role of this variant in disease. Therefore, it has been classified as a Variant of Uncertain Significance.